The following is an entry in ClinVar:

ClinVar aggregate classification (germline): Uncertain significance. Review status: criteria provided, multiple submitters, no conflicts (2 of 4 stars). 2 submissions from 2 submitters: Uncertain significance (2). Last evaluated 2025-03-11.

Conditions:
Hereditary cancer-predisposing syndrome. Also called: Neoplastic Syndromes, Hereditary; Tumor predisposition; Hereditary Cancer Syndrome; Hereditary neoplastic syndrome. Identifiers: Orphanet 140162, MedGen C0027672, MeSH D009386, MONDO:0015356.

Submissions (2):

Ambry Genetics
Classification: Uncertain significance for Hereditary cancer-predisposing syndrome. Last evaluated: 2025-03-11. Review status: criteria provided, single submitter. Criteria: Ambry Variant Classification Scheme 2023. Collection method: clinical testing. Allele origin: germline.
Comment: The p.K126R variant (also known as c.377A>G), located in coding exon 1 of the AXIN2 gene, results from an A to G substitution at nucleotide position 377. The lysine at codon 126 is replaced by arginine, an amino acid with highly similar properties. This amino acid position is highly conserved in available vertebrate species. In addition, this alteration is predicted to be tolerated by in silico analysis. Based on the available evidence, the clinical significance of this variant remains unclear.

GeneDx
Classification: Uncertain significance. Last evaluated: 2024-11-26. Review status: criteria provided, single submitter. Criteria: GeneDx Variant Classification Process June 2021. Collection method: clinical testing. Allele origin: germline. Affected: yes.
Comment: Not observed at significant frequency in large population cohorts (gnomAD); In silico analysis supports that this missense variant has a deleterious effect on protein structure/function; Has not been previously published as pathogenic or benign to our knowledge; This variant is associated with the following publications: (PMID: 15735151)

NM_004655.4(AXIN2):c.377A>G (p.Lys126Arg)

Gene: AXIN2 (axin 2; minus strand). Cytogenetic location: 17q24.1.
Variant type: single nucleotide variant.
Coding change: c.377A>G on transcript NM_004655.4 (MANE Select); coding-DNA position 377, A replaced by G.
Protein change: p.Lys126Arg; replaces lysine 126 with arginine.
Molecular consequence: missense variant.
Genome position (GRCh38, 1-based): chr17:65,558,244, T>C on the plus strand (A>G on the coding strand, the complement: AXIN2 is on the minus strand). VCF-style: chr17-65558244-T-C. GRCh37 (hg19) VCF-style: chr17-63554362-T-C.
Other names: c.377A>G, p.Lys126Arg (NM_001363813.1); short protein forms K126R.
Identifiers: ClinVar variation 1734828 (VCV001734828.4), dbSNP rs2144586929, ClinGen allele CA400681524.
Genomic context (GRCh38, chr17:65,558,244, plus strand): 5'-GAGACAATGCTGTTGTTCTCAATGTACCTTTTGTAGATCGCTTTGGCTACTCGTAAAGTT[T>C]TGGTATCCTTCAGGTTCATCTGCCTGAATCCATTGCAGGCAAACCAGAAGTCTAAGGTAT-3'
Protein context (NP_004646.3, residues 116-136): GFRQMNLKDT[Lys126Arg]TLRVAKAIYK